The following is an entry in ClinVar:

NM_017780.4(CHD7):c.7313A>C (p.Gln2438Pro)

Gene: CHD7 (chromodomain helicase DNA binding protein 7; plus strand). Cytogenetic location: 8q12.2.
Variant type: single nucleotide variant.
Coding change: c.7313A>C on transcript NM_017780.4 (MANE Select); coding-DNA position 7313, A replaced by C.
Protein change: p.Gln2438Pro; replaces glutamine 2438 with proline.
Molecular consequence: missense variant. On other transcripts: intron variant (1).
Genome position (GRCh38, 1-based): chr8:60,856,593, A>C. VCF-style: chr8-60856593-A-C. GRCh37 (hg19) VCF-style: chr8-61769152-A-C.
Other names: c.1717-5636A>C (NM_001316690.1); short protein forms Q2438P.
Identifiers: ClinVar variation 498659 (VCV000498659.37), dbSNP rs754894988, ClinGen allele CA4760792.

ClinVar aggregate classification (germline): Benign/Likely benign. Review status: criteria provided, multiple submitters, no conflicts (2 of 4 stars). 9 submissions from 9 submitters: Benign (4); Likely benign (4). 1 of the submissions does not count toward it. Last evaluated 2026-08-01.

Conditions:
CHD7-related disorder. Also called: CHD7-related condition.
Hypogonadotropic hypogonadism 5 with or without anosmia (KAL5). Also called: HYPOGONADOTROPIC HYPOGONADISM 5 WITH ANOSMIA; HYPOGONADOTROPHIC HYPOGONADISM 5 WITHOUT ANOSMIA; CHD7-Related GnRH Deficiency (Kallmann Syndrome 5). Identifiers: Orphanet 478, MedGen C3552553, MONDO:0012880, OMIM 612370. Disease mechanism: loss of function.
CHARGE syndrome (CHARGE). Also called: Hittner Hirsch Kreh syndrome; Coloboma, heart anomaly, choanal atresia, retardation, genital and ear anomalies; CHARGE association; Hall-Hittner syndrome; CHARGE ASSOCIATION--COLOBOMA, HEART ANOMALY, CHOANAL ATRESIA, RETARDATION, GENITAL AND EAR ANOMALIES. Identifiers: Orphanet 138, MedGen C0265354, MONDO:0008965.
Inborn genetic diseases. Identifiers: MedGen C0950123, MeSH D030342.

Allele frequency attached by ClinVar (database versions not stated): TOPMed 0.00013; ExAC 0.00050; gnomAD exomes 0.00075.
gnomAD v4.1: 228 of 1,613,948 alleles (0.014%); highest among the groups gnomAD compares: Admixed American, 0.37%; no homozygotes.

Submissions (9):

CeGaT Center for Human Genetics Tuebingen
Classification: Likely benign. Last evaluated: 2026-08-01. Review status: criteria provided, single submitter. Criteria: CeGaT Center For Human Genetics Tuebingen Variant Classification Criteria Version 2. Collection method: clinical testing. Allele origin: germline. Affected: yes. Observed: 4 variant alleles.
Comment: CHD7: PM5, BS1

Labcorp Genetics (formerly Invitae), Labcorp
Classification: Benign for CHARGE syndrome. Last evaluated: 2026-02-02. Review status: criteria provided, single submitter. Criteria: Invitae Variant Classification Sherloc (09022015). Collection method: clinical testing. Allele origin: germline.

Blueprint Genetics
Classification: Likely benign. Last evaluated: 2022-11-21. Review status: criteria provided, single submitter. Criteria: ACMG Guidelines, 2015. Collection method: clinical testing. Allele origin: germline.

Fulgent Genetics
Classification: Benign for CHD7-related CHARGE syndrome; Hypogonadotropic hypogonadism 5 with or without anosmia. Last evaluated: 2021-11-01. Review status: criteria provided, single submitter. Criteria: ACMG Guidelines, 2015. Collection method: clinical testing. Allele origin: unknown.

GeneDx
Classification: Benign. Last evaluated: 2019-09-04. Review status: criteria provided, single submitter. Criteria: GeneDx Variant Classification Process June 2021. Collection method: clinical testing. Allele origin: germline. Affected: yes.

Laboratory for Molecular Medicine, Mass General Brigham Personalized Medicine
Classification: Likely benign. Last evaluated: 2017-08-23. Review status: criteria provided, single submitter. Criteria: LMM Criteria. Collection method: clinical testing. Allele origin: germline. Observed: 1 variant allele.
Comment: p.Gln2438Pro in exon 34 of CHD7: This variant is not expected to have clinical s ignificance because it has been identified in 0.51% (59/11570) of Latino chromos omes by the Exome Aggregation Consortium (ExAC; dbSNP rs754894988).

Eurofins Ntd Llc (ga)
Classification: Likely benign. Last evaluated: 2016-12-19. Review status: criteria provided, single submitter. Criteria: EGL Classification Definitions 2015. Collection method: clinical testing. Allele origin: germline. Observed: 1 variant allele, 1 heterozygote.

Ambry Genetics
Classification: Benign for Inborn genetic diseases. Last evaluated: 2016-11-09. Review status: criteria provided, single submitter. Criteria: Ambry Variant Classification Scheme 2023. Collection method: clinical testing. Allele origin: germline.

PreventionGenetics, part of Exact Sciences
Classification: Benign for CHD7-related condition. Last evaluated: 2019-07-25. Review status: no assertion criteria provided. Collection method: clinical testing. Allele origin: germline. Not counted in ClinVar's aggregate classification.
Comment: This variant is classified as benign based on ACMG/AMP sequence variant interpretation guidelines (Richards et al. 2015 PMID: 25741868, with internal and published modifications).